The following is an entry in ClinVar:

NC_012920.1(MT-TI):m.4310A>G

Gene: MT-TI (mitochondrially encoded tRNA isoleucine; plus strand).
Variant type: single nucleotide variant.
Genome position: chrM-4310-A-G.
Identifiers: ClinVar variation 689876 (VCV000689876.1), dbSNP rs1556422841, ClinGen allele CA913177685.

ClinVar aggregate classification (germline): Benign (1 of 4 stars; one submission).

Conditions:
MELAS syndrome (MELAS). Also called: Juvenile myopathy, encephalopathy, lactic acidosis, stroke. Identifiers: Orphanet 550, MedGen C0162671, MONDO:0010789, OMIM 540000.

Submission:

Wong Mito Lab, Molecular and Human Genetics, Baylor College of Medicine
Classification: Benign for MELAS syndrome. Last evaluated: 2019-07-12. Review status: criteria provided, single submitter. Criteria: Modified ACMG Guidelines (Unpublished). Collection method: clinical testing. Allele origin: germline.
Comment: The NC_012920.1:m.4310A>G variant in MT-TI gene is interpreted to be a Benign variant based on the modified ACMG guidelines (unpublished). This variant meets the following evidence codes reported in the guidelines: BS1, BS4, BP4

Literature cited by the submitters: PubMed 31965079.